The following is an entry in ClinVar:

NM_004247.4(EFTUD2):c.575A>G (p.Asp192Gly)

Gene: EFTUD2 (elongation factor Tu GTP binding domain containing 2; minus strand). Cytogenetic location: 17q21.31.
Variant type: single nucleotide variant.
Coding change: c.575A>G on transcript NM_004247.4 (MANE Select); coding-DNA position 575, A replaced by G.
Protein change: p.Asp192Gly; replaces aspartic acid 192 with glycine.
Molecular consequence: missense variant.
Genome position (GRCh38, 1-based): chr17:44,880,598, T>C on the plus strand (A>G on the coding strand, the complement: EFTUD2 is on the minus strand). VCF-style: chr17-44880598-T-C. GRCh37 (hg19) VCF-style: chr17-42957966-T-C.
Other names: c.470A>G, p.Asp157Gly (NM_001142605.2); c.575A>G, p.Asp192Gly (NM_001258353.2); c.545A>G, p.Asp182Gly (NM_001258354.2); short protein forms D157G, D192G, D182G.
Identifiers: ClinVar variation 2967871 (VCV002967871.3), dbSNP rs1280081797, ClinGen allele CA399823236.

ClinVar aggregate classification (germline): Uncertain significance (1 of 4 stars; one submission).

Allele frequency attached by ClinVar (database versions not stated): gnomAD exomes below 0.00001; TOPMed below 0.00001; gnomAD 0.00001.
gnomAD v4.1: 5 of 1,613,740 alleles (0.00031%); highest among the groups gnomAD compares: Non-Finnish European, 0.00042%; no homozygotes.

Submission:

Labcorp Genetics (formerly Invitae), Labcorp
Classification: Uncertain significance. Last evaluated: 2022-12-06. Review status: criteria provided, single submitter. Criteria: Invitae Variant Classification Sherloc (09022015). Collection method: clinical testing. Allele origin: germline.
Comment: In summary, the available evidence is currently insufficient to determine the role of this variant in disease. Therefore, it has been classified as a Variant of Uncertain Significance. Advanced modeling of protein sequence and biophysical properties (such as structural, functional, and spatial information, amino acid conservation, physicochemical variation, residue mobility, and thermodynamic stability) performed at Invitae indicates that this missense variant is not expected to disrupt EFTUD2 protein function. This variant has not been reported in the literature in individuals affected with EFTUD2-related conditions. This variant is not present in population databases (gnomAD no frequency). This sequence change replaces aspartic acid, which is acidic and polar, with glycine, which is neutral and non-polar, at codon 192 of the EFTUD2 protein (p.Asp192Gly).